The following is an entry in ClinVar:

NM_001040716.2(PC):c.2696dup (p.Met900fs)

Gene: PC (pyruvate carboxylase; minus strand). Cytogenetic location: 11q13.2.
Variant type: Duplication.
Coding change: c.2696dup on transcript NM_001040716.2 (MANE Select); coding-DNA position 2696, one base duplicated (A; older notation c.2696dupA).
Protein change: p.Met900fs; shifts the reading frame from methionine 900.
Molecular consequence: frameshift variant.
Genome position (GRCh38, 1-based): chr11:66,850,242, T duplicated on the plus strand (A on the coding strand, the reverse complement: PC is on the minus strand). VCF-style (leftmost placement, unchanged base first): chr11-66850241-C-CT. GRCh37 (hg19) VCF-style: chr11-66617712-C-CT.
Other names: c.2696dup, p.Met900fs (NM_000920.4, NM_001439352.1, NM_001439353.1 and 5 more transcripts); short protein forms M900fs.
Identifiers: ClinVar variation 5013075 (VCV005013075.1).

ClinVar aggregate classification (germline): Pathogenic (1 of 4 stars; one submission).

Conditions:
Pyruvate carboxylase deficiency. Also called: ATAXIA WITH LACTIC ACIDOSIS II; LEIGH NECROTIZING ENCEPHALOPATHY DUE TO PYRUVATE CARBOXYLASE DEFICIENCY; LEIGH SYNDROME DUE TO PYRUVATE CARBOXYLASE DEFICIENCY; PC DEFICIENCY; Pyruvate Carboxylase Deficiency Disease. Identifiers: Orphanet 3008, MedGen C0034341, MONDO:0009949, OMIM 266150.

Submission:

Myriad Genetics, Inc.
Classification: Pathogenic for Pyruvate carboxylase deficiency. Last evaluated: 2024-05-20. Review status: criteria provided, single submitter. Criteria: Myriad Autosomal Dominant, Autosomal Recessive and X-Linked Classification Criteria (2023). Collection method: clinical testing. Allele origin: unknown.
Comment: NM_000920.3(PC):c.2696dupA(M900Dfs*67) is expected to be pathogenic in the context of pyruvate carboxylase deficiency. This variant is predicted to lead to an abnormal or absent protein product due to the creation of a premature termination codon in PC, a gene where loss-of-function variants are known to be pathogenic. Please note: this variant was assessed in the context of healthy population screening.